The following is an entry in ClinVar:

ClinVar aggregate classification (germline): Uncertain significance (1 of 4 stars; one submission).

Submission:

Labcorp Genetics (formerly Invitae), Labcorp
Classification: Uncertain significance. Last evaluated: 2024-07-04. Review status: criteria provided, single submitter. Criteria: Invitae Variant Classification Sherloc (09022015). Collection method: clinical testing. Allele origin: germline.
Comment: This sequence change replaces alanine, which is neutral and non-polar, with serine, which is neutral and polar, at codon 1068 of the FLNB protein (p.Ala1068Ser). This variant is not present in population databases (gnomAD no frequency). This variant has not been reported in the literature in individuals affected with FLNB-related conditions. Advanced modeling of protein sequence and biophysical properties (such as structural, functional, and spatial information, amino acid conservation, physicochemical variation, residue mobility, and thermodynamic stability) performed at Invitae indicates that this missense variant is not expected to disrupt FLNB protein function with a negative predictive value of 95%. In summary, the available evidence is currently insufficient to determine the role of this variant in disease. Therefore, it has been classified as a Variant of Uncertain Significance.

NM_001457.4(FLNB):c.3202G>T (p.Ala1068Ser)

Gene: FLNB (filamin B; plus strand). Cytogenetic location: 3p14.3.
Variant type: single nucleotide variant.
Coding change: c.3202G>T on transcript NM_001457.4 (MANE Select); coding-DNA position 3202, G replaced by T.
Protein change: p.Ala1068Ser; replaces alanine 1068 with serine.
Molecular consequence: missense variant.
Genome position (GRCh38, 1-based): chr3:58,123,168, G>T. VCF-style: chr3-58123168-G-T. GRCh37 (hg19) VCF-style: chr3-58108895-G-T.
Other names: c.3202G>T, p.Ala1068Ser (NM_001164317.2, NM_001164318.2, NM_001164319.2); short protein forms A1068S.
Identifiers: ClinVar variation 3635721 (VCV003635721.2).